The following is an entry in ClinVar:

ClinVar aggregate classification (germline): Uncertain significance. Review status: criteria provided, multiple submitters, no conflicts (2 of 4 stars). 2 submissions from 2 submitters: Uncertain significance (2). Last evaluated 2025-07-30.

Allele frequency attached by ClinVar (database versions not stated): gnomAD exomes below 0.00001; gnomAD 0.00001; ExAC 0.00002.
gnomAD v4.1: 5 of 1,174,908 alleles (0.00043%); highest among the groups gnomAD compares: Admixed American, 0.0023%; no homozygotes.

Submissions (2):

GeneDx
Classification: Uncertain significance. Last evaluated: 2025-07-30. Review status: criteria provided, single submitter. Criteria: GeneDx Variant Classification Process June 2021. Collection method: clinical testing. Allele origin: germline. Affected: yes.
Comment: In silico analysis supports that this missense variant has a deleterious effect on protein structure/function; Has not been previously published as pathogenic or benign to our knowledge

Labcorp Genetics (formerly Invitae), Labcorp
Classification: Uncertain significance. Last evaluated: 2025-07-23. Review status: criteria provided, single submitter. Criteria: Invitae Variant Classification Sherloc (09022015). Collection method: clinical testing. Allele origin: germline.
Comment: This sequence change replaces arginine, which is basic and polar, with tryptophan, which is neutral and slightly polar, at codon 22 of the POLA1 protein (p.Arg22Trp). The frequency data for this variant in the population databases is considered unreliable, as metrics indicate poor data quality at this position in the gnomAD database. This variant has not been reported in the literature in individuals affected with POLA1-related conditions. ClinVar contains an entry for this variant (Variation ID: 2505930). An algorithm developed to predict the effect of missense changes on protein structure and function (PolyPhen-2) suggests that this variant is likely to be disruptive. In summary, the available evidence is currently insufficient to determine the role of this variant in disease. Therefore, it has been classified as a Variant of Uncertain Significance.

NM_001330360.2(POLA1):c.82C>T (p.Arg28Trp)

Gene: POLA1 (DNA polymerase alpha 1, catalytic subunit; plus strand). Cytogenetic location: Xp22.11.
Variant type: single nucleotide variant.
Coding change: c.82C>T on transcript NM_001330360.2 (MANE Select); coding-DNA position 82, C replaced by T.
Protein change: p.Arg28Trp; replaces arginine 28 with tryptophan.
Molecular consequence: missense variant. On other transcripts: non-coding transcript variant (2).
Genome position (GRCh38, 1-based): chrX:24,699,463, C>T. VCF-style: chrX-24699463-C-T. GRCh37 (hg19) VCF-style: chrX-24717580-C-T.
Other names: c.82C>T, p.Arg28Trp (NM_001378303.1); c.64C>T, p.Arg22Trp (NM_016937.4); short protein forms R22W, R28W.
Identifiers: ClinVar variation 2505930 (VCV002505930.6), dbSNP rs769005882, ClinGen allele CA10372706.
Genomic context (GRCh38, chrX:24,699,463, plus strand): 5'-TAAATTTTTTTTCTTTTTTCAGCTCTGTCAGATTCAGGGAGTTTTGTATCTTCTCGAGCC[C>T]GGCGAGAAAAAAAATCAAAGAAGGGGCGCCAAGAAGCCCTAGAAAGACTGAAAAAGGCTA-3'
Protein context (NP_001317289.1, residues 18-38): DSGSFVSSRA[Arg28Trp]REKKSKKGRQ